The following is an entry in ClinVar:

ClinVar aggregate classification (germline): Uncertain significance. Review status: criteria provided, multiple submitters, no conflicts (2 of 4 stars). 2 submissions from 2 submitters: Uncertain significance (2). Last evaluated 2023-05-16.

Conditions:
Colorectal cancer, susceptibility to, 1. Also called: COLORECTAL ADENOMA AND CANCER, SUSCEPTIBILITY TO; COLORECTAL CANCER, SUSCEPTIBILITY TO, ON CHROMOSOME 9. Identifiers: MedGen C1837315, MONDO:0012132, OMIM 608812.

Submissions (2):

Baylor Genetics
Classification: Uncertain significance for Colorectal cancer, susceptibility to, 1. Last evaluated: 2023-05-16. Review status: criteria provided, single submitter. Criteria: ACMG Guidelines, 2015. Collection method: clinical testing. Allele origin: unknown.

Ambry Genetics
Classification: Uncertain significance. Last evaluated: 2022-07-19. Review status: criteria provided, single submitter. Criteria: Ambry Variant Classification Scheme 2023. Collection method: clinical testing. Allele origin: germline.
Comment: The p.P443L variant (also known as c.1328C>T), located in coding exon 7 of the GALNT12 gene, results from a C to T substitution at nucleotide position 1328. The proline at codon 443 is replaced by leucine, an amino acid with similar properties. This amino acid position is conserved. In addition, this alteration is predicted to be tolerated by in silico analysis. Since supporting evidence is limited at this time, the clinical significance of this alteration remains unclear.

NM_024642.5(GALNT12):c.1328C>T (p.Pro443Leu)

Gene: GALNT12 (polypeptide N-acetylgalactosaminyltransferase 12; plus strand). Cytogenetic location: 9q22.33.
Variant type: single nucleotide variant.
Coding change: c.1328C>T on transcript NM_024642.5 (MANE Select); coding-DNA position 1328, C replaced by T.
Protein change: p.Pro443Leu; replaces proline 443 with leucine.
Molecular consequence: missense variant.
Genome position (GRCh38, 1-based): chr9:98,840,117, C>T. VCF-style: chr9-98840117-C-T. GRCh37 (hg19) VCF-style: chr9-101602399-C-T.
Other names: short protein forms P443L.
Identifiers: ClinVar variation 1770052 (VCV001770052.3), dbSNP rs2490542067, ClinGen allele CA374221131.